The following is an entry in ClinVar:

NM_000404.4(GLB1):c.1298_1299del (p.Ser433fs)

Gene: GLB1 (galactosidase beta 1; minus strand). Cytogenetic location: 3p22.3.
Variant type: Microsatellite.
Coding change: c.1298_1299del on transcript NM_000404.4 (MANE Select); coding-DNA positions 1298 to 1299, 2 bases deleted (CT; older notation c.1298_1299delCT).
Protein change: p.Ser433fs; shifts the reading frame from serine 433.
Molecular consequence: frameshift variant.
Genome position (GRCh38, 1-based): chr3:33,018,496-33,018,497, AG deleted on the plus strand (CT on the coding strand, the reverse complement: GLB1 is on the minus strand); deleting any 2 consecutive bases within chr3:33,018,496-33,018,503 gives the same sequence; the c. name uses the placement nearest the transcript's 3' end. VCF-style (leftmost placement, unchanged base first): chr3-33018495-AAG-A. GRCh37 (hg19) VCF-style: chr3-33059987-AAG-A.
Other names: c.1208_1209del, p.Ser403fs (NM_001079811.3); c.905_906del, p.Ser302fs (NM_001135602.3); c.1442_1443del, p.Ser481fs (NM_001317040.2); short protein forms S302fs, S481fs, S433fs, S403fs.
Identifiers: ClinVar variation 842879 (VCV000842879.10), dbSNP rs1697335361, ClinGen allele CA645527980.

ClinVar aggregate classification (germline): Pathogenic/Likely pathogenic. Review status: criteria provided, multiple submitters, no conflicts (2 of 4 stars). 2 submissions from 2 submitters: Pathogenic (1); Likely pathogenic (1). Last evaluated 2022-04-01.

Conditions:
Mucopolysaccharidosis, MPS-IV-B (MPS4B). Also called: Mucopolysaccharidosis type IV B; Mucopolysaccharidosis Type IVB; MORQUIO SYNDROME B; Mucopolysaccharidosis type IVB (Morquio); MPS IVB; Mucopolysaccharidosis Type IVB (Morquio B Disease). Identifiers: Orphanet 309310, Orphanet 582, MedGen C0086652, MONDO:0009660, OMIM 253010.
GM1 gangliosidosis. Identifiers: Orphanet 354, MedGen C0085131, MONDO:0018149.
GLB1-related disorder. Also called: GLB1-related disorders. Identifiers: MedGen CN377807.

Submissions (2):

Myriad Genetics, Inc.
Classification: Likely pathogenic for GLB1-related disorder. Last evaluated: 2022-04-01. Review status: criteria provided, single submitter. Criteria: Myriad Autosomal Dominant, Autosomal Recessive and X-Linked Classification Criteria (2023). Collection method: clinical testing. Allele origin: unknown.
Comment: NM_000404.2(GLB1):c.1298_1299delCT(S433Ffs*23) is expected to be pathogenic in the context of GLB1-related disorders. This variant is predicted to lead to an abnormal or absent protein product due to the creation of a premature termination codon in GLB1, a gene where loss-of-function variants are known to be pathogenic. Please note: this variant was assessed in the context of healthy population screening.

Labcorp Genetics (formerly Invitae), Labcorp
Classification: Pathogenic for Mucopolysaccharidosis, MPS-IV-B; GM1 gangliosidosis. Last evaluated: 2021-11-11. Review status: criteria provided, single submitter. Criteria: Invitae Variant Classification Sherloc (09022015). Collection method: clinical testing. Allele origin: germline.
Comment: For these reasons, this variant has been classified as Pathogenic. ClinVar contains an entry for this variant (Variation ID: 842879). This variant has not been reported in the literature in individuals affected with GLB1-related conditions. This variant is not present in population databases (gnomAD no frequency). This sequence change creates a premature translational stop signal (p.Ser433Phefs*23) in the GLB1 gene. It is expected to result in an absent or disrupted protein product. Loss-of-function variants in GLB1 are known to be pathogenic (PMID: 18524657).

Literature cited by the submitters: PubMed 18524657 (cited by Labcorp Genetics (formerly Invitae), Labcorp).